The following is an entry in ClinVar:

NM_016507.4(CDK12):c.980A>G (p.Tyr327Cys)

Genes: CDK12 (cyclin dependent kinase 12; plus strand), LOC126862553 (CDK7 strongly-dependent group 2 enhancer GRCh37_chr17:37618166-37619365; plus strand). Cytogenetic location: 17q12.
Variant type: single nucleotide variant.
Coding change: c.980A>G on transcript NM_016507.4 (MANE Select); coding-DNA position 980, A replaced by G.
Protein change: p.Tyr327Cys; replaces tyrosine 327 with cysteine.
Molecular consequence: missense variant.
Genome position (GRCh38, 1-based): chr17:39,463,051, A>G. VCF-style: chr17-39463051-A-G. GRCh37 (hg19) VCF-style: chr17-37619304-A-G.
Other names: c.980A>G, p.Tyr327Cys (NM_015083.4); short protein forms Y327C.
Identifiers: ClinVar variation 3489281 (VCV003489281.1).
Genomic context (GRCh38, chr17:39,463,051, plus strand): 5'-GGAGACGGTCGTCCAGCTACGAAAGAAGTGGCTCTTACAGCGGGCGATCGCCCAGTCCCT[A>G]TGGTCGAAGGCGGTCCAGCAGCCCTTTCCTGAGCAAGCGGTCTCTGAGTCGGAGTCCACT-3'
Protein context (NP_057591.2, residues 317-337): GSYSGRSPSP[Tyr327Cys]GRRRSSSPFL

ClinVar aggregate classification (germline): Uncertain significance (1 of 4 stars; one submission).

gnomAD v4.1: 7 of 1,614,082 alleles (0.00043%); highest among the groups gnomAD compares: Non-Finnish European, 0.00034%; no homozygotes.

Submission:

Ambry Genetics
Classification: Uncertain significance. Last evaluated: 2024-11-25. Review status: criteria provided, single submitter. Criteria: Ambry Variant Classification Scheme 2023. Collection method: clinical testing. Allele origin: germline.
Comment: The p.Y327C variant (also known as c.980A>G), located in coding exon 1 of the CDK12 gene, results from an A to G substitution at nucleotide position 980. The tyrosine at codon 327 is replaced by cysteine, an amino acid with highly dissimilar properties. This amino acid position is conserved. In addition, the in silico prediction for this alteration is inconclusive. Based on the available evidence, the clinical significance of this variant remains unclear.